The following is an entry in ClinVar:

NM_139027.6(ADAMTS13):c.1389C>T (p.Gly463=)

Gene: ADAMTS13 (ADAM metallopeptidase with thrombospondin type 1 motif 13; plus strand). Cytogenetic location: 9q34.2.
Variant type: single nucleotide variant.
Coding change: c.1389C>T on transcript NM_139027.6 (MANE Select); coding-DNA position 1389, C replaced by T.
Protein change: p.Gly463=; no amino-acid change (glycine 463 retained).
Molecular consequence: synonymous variant.
Genome position (GRCh38, 1-based): chr9:133,436,909, C>T. VCF-style: chr9-133436909-C-T. GRCh37 (hg19) VCF-style: chr9-136302029-C-T.
Other names: p.Gly463=; c.1389C>T, p.Gly463= (NM_139025.5); c.1296C>T, p.Gly432= (NM_139026.6).
Identifiers: ClinVar variation 2068983 (VCV002068983.8), dbSNP rs138035204, ClinGen allele CA200929688.

ClinVar aggregate classification (germline): Likely benign. Review status: criteria provided, multiple submitters, no conflicts (2 of 4 stars). 4 submissions from 4 submitters: Likely benign (4). Last evaluated 2025-10-26.

Allele frequency attached by ClinVar (database versions not stated): gnomAD exomes 0.00006; ESP Exome Variant Server 0.00015; 1000 Genomes Project 30x 0.00016; ExAC 0.00019; 1000 Genomes Project 0.00020; gnomAD 0.00040; TOPMed 0.00056.

Submissions (4):

Labcorp Genetics (formerly Invitae), Labcorp
Classification: Likely benign. Last evaluated: 2025-10-26. Review status: criteria provided, single submitter. Criteria: Invitae Variant Classification Sherloc (09022015). Collection method: clinical testing. Allele origin: germline.

Mayo Clinic Laboratories, Mayo Clinic
Classification: Likely benign. Last evaluated: 2025-06-01. Review status: criteria provided, single submitter. Criteria: ACMG Guidelines, 2015. Collection method: clinical testing. Allele origin: germline. Observed: 3 variant alleles.
Comment: BS1, BP4, BP7

Women's Health and Genetics/Laboratory Corporation of America, LabCorp
Classification: Likely benign. Last evaluated: 2024-03-14. Review status: criteria provided, single submitter. Criteria: LabCorp Variant Classification Summary - May 2015. Collection method: clinical testing. Allele origin: germline.

Blueprint Genetics
Classification: Likely benign. Last evaluated: 2021-12-28. Review status: criteria provided, single submitter. Criteria: ACMG Guidelines, 2015. Collection method: clinical testing. Allele origin: germline.